The following is an entry in ClinVar:

NM_017636.4(TRPM4):c.2428C>T (p.Pro810Ser)

Gene: TRPM4 (transient receptor potential cation channel subfamily M member 4; plus strand). Cytogenetic location: 19q13.33.
Variant type: single nucleotide variant.
Coding change: c.2428C>T on transcript NM_017636.4 (MANE Select); coding-DNA position 2428, C replaced by T.
Protein change: p.Pro810Ser; replaces proline 810 with serine.
Molecular consequence: missense variant. On other transcripts: intron variant (1).
Genome position (GRCh38, 1-based): chr19:49,196,657, C>T. VCF-style: chr19-49196657-C-T. GRCh37 (hg19) VCF-style: chr19-49699914-C-T.
Other names: c.2428C>T (NM_017636.3); c.2083C>T, p.Pro695Ser (NM_001321281.2); c.820C>T, p.Pro274Ser (NM_001321282.2); c.1906C>T, p.Pro636Ser (NM_001321283.2); c.1366C>T, p.Pro456Ser (NM_001321285.2); c.2211-3643C>T (NM_001195227.2); short protein forms P456S, P695S, P274S, P636S, P810S.
Identifiers: ClinVar variation 1425441 (VCV001425441.5), dbSNP rs746446358, ClinGen allele CA9569549.

ClinVar aggregate classification (germline): Uncertain significance. Review status: criteria provided, multiple submitters, no conflicts (2 of 4 stars). 3 submissions from 3 submitters: Uncertain significance (3). Last evaluated 2026-02-10.

Conditions:
Progressive familial heart block type IB (PFHB1B). Identifiers: Orphanet 871, MedGen C1970298, MONDO:0011474, OMIM 604559.
Cardiovascular phenotype. Identifiers: MedGen CN230736.

Allele frequency attached by ClinVar (database versions not stated): gnomAD exomes below 0.00001 and 0.00001.
gnomAD v4.1: 2 of 1,546,842 alleles (0.00013%); highest among the groups gnomAD compares: Non-Finnish European, 0.00017%; no homozygotes.

Submissions (3):

GeneDx
Classification: Uncertain significance. Last evaluated: 2026-02-10. Review status: criteria provided, single submitter. Criteria: GeneDx Variant Classification Process June 2021. Collection method: clinical testing. Allele origin: germline.
Comment: Not observed at significant frequency in large population cohorts (gnomAD); In silico analysis suggests that this missense variant does not alter protein structure/function; Has not been previously published as pathogenic or benign to our knowledge

Ambry Genetics
Classification: Uncertain significance for Cardiovascular phenotype. Last evaluated: 2025-01-06. Review status: criteria provided, single submitter. Criteria: Ambry Variant Classification Scheme 2023. Collection method: clinical testing. Allele origin: germline.
Comment: The p.P810S variant (also known as c.2428C>T), located in coding exon 17 of the TRPM4 gene, results from a C to T substitution at nucleotide position 2428. The proline at codon 810 is replaced by serine, an amino acid with similar properties. This amino acid position is conserved. In addition, this alteration is predicted to be tolerated by in silico analysis. Based on the available evidence, the clinical significance of this variant remains unclear.

Labcorp Genetics (formerly Invitae), Labcorp
Classification: Uncertain significance for Progressive familial heart block type IB. Last evaluated: 2021-10-08. Review status: criteria provided, single submitter. Criteria: Invitae Variant Classification Sherloc (09022015). Collection method: clinical testing. Allele origin: germline.
Comment: This sequence change replaces proline with serine at codon 810 of the TRPM4 protein (p.Pro810Ser). The proline residue is highly conserved and there is a moderate physicochemical difference between proline and serine. The frequency data for this variant in the population databases is considered unreliable, as metrics indicate poor data quality at this position in the ExAC database. This variant has not been reported in the literature in individuals affected with TRPM4-related conditions. Algorithms developed to predict the effect of missense changes on protein structure and function are either unavailable or do not agree on the potential impact of this missense change (SIFT: "Deleterious"; PolyPhen-2: "Probably Damaging"; Align-GVGD: "Class C0"). In summary, the available evidence is currently insufficient to determine the role of this variant in disease. Therefore, it has been classified as a Variant of Uncertain Significance.